The following is an entry in ClinVar:

ClinVar aggregate classification (germline): Uncertain significance (1 of 4 stars; one submission).

Conditions:
Cardiovascular phenotype. Identifiers: MedGen CN230736.

Submission:

Ambry Genetics
Classification: Uncertain significance for Cardiovascular phenotype. Last evaluated: 2026-05-20. Review status: criteria provided, single submitter. Criteria: Ambry Variant Classification Scheme 2023. Collection method: clinical testing. Allele origin: germline.
Comment: The p.Q283K variant (also known as c.847C>A), located in coding exon 11 of the TAZ gene, results from a C to A substitution at nucleotide position 847. The glutamine at codon 283 is replaced by lysine, an amino acid with similar properties. This amino acid position is not well conserved in available vertebrate species. In addition, this alteration is predicted to be tolerated by in silico analysis. Based on the available evidence, the clinical significance of this variant remains unclear.

NM_000116.5(TAFAZZIN):c.847C>A (p.Gln283Lys)

Gene: TAFAZZIN (tafazzin, phospholipid-lysophospholipid transacylase; plus strand). Cytogenetic location: Xq28.
Variant type: single nucleotide variant.
Coding change: c.847C>A on transcript NM_000116.5 (MANE Select); coding-DNA position 847, C replaced by A.
Protein change: p.Gln283Lys; replaces glutamine 283 with lysine.
Molecular consequence: missense variant. On other transcripts: non-coding transcript variant (1).
Genome position (GRCh38, 1-based): chrX:154,420,972, C>A. VCF-style: chrX-154420972-C-A. GRCh37 (hg19) VCF-style: chrX-153649311-C-A.
Other names: c.859C>A, p.Gln287Lys (NM_001303465.2); c.811C>A, p.Gln271Lys (NM_001410698.1); c.901C>A, p.Gln301Lys (NM_001440856.1); c.769C>A, p.Gln257Lys (NM_001440857.1); c.634C>A, p.Gln212Lys (NM_001440858.1); c.757C>A, p.Gln253Lys (NM_181311.4); c.805C>A, p.Gln269Lys (NM_181312.4); c.715C>A, p.Gln239Lys (NM_181313.4); short protein forms Q212K, Q239K, Q253K, Q257K, Q269K, Q271K, Q283K, Q287K.
Identifiers: ClinVar variation 4865299 (VCV004865299.1).